The following continues an entry in ClinVar:

NM_002834.5(PTPN11):c.1529A>G (p.Gln510Arg)

Gene: PTPN11. ClinVar aggregate classification (germline): Pathogenic/Likely pathogenic. Pathogenic (14); Likely pathogenic (2). ClinVar aggregate classification (somatic clinical impact): Tier I - Strong.

Submissions 11 to 17 of 19:

GeneDx
Classification: Pathogenic. Last evaluated: 2023-07-20. Review status: criteria provided, single submitter. Criteria: GeneDx Variant Classification Process June 2021. Collection method: clinical testing. Allele origin: germline. Affected: yes.
Comment: Missense variants in this gene are often considered pathogenic (HGMD); In silico analysis supports that this missense variant has a deleterious effect on protein structure/function; This variant is associated with the following publications: (PMID: 28125078, 35248088, 33318624, 30050098, 26817465, 29290338, 30919686, 24150203, 22465605, 24939587, 32737134, 15948193, 23312806, 29907801, 35586607, 35352813, 34704406, 24775816)

3billion
Classification: Pathogenic for Noonan syndrome 1. Last evaluated: 2023-02-23. Review status: criteria provided, single submitter. Criteria: ACMG Guidelines, 2015. Collection method: clinical testing. Allele origin: unknown. Affected: yes.
Comment: The variant is observed at an extremely low frequency in the gnomAD v2.1.1 dataset (total allele frequency: <0.001%). The variant is located in a mutational hot spot and/or well-established functional domain in which established pathogenic variants have been reported. Missense changes are a common disease-causing mechanism. In silico tool predictions suggest damaging effect of the variant on gene or gene product (REVEL: 0.96; 3Cnet: 0.98). Same nucleotide change resulting in same amino acid change (ClinVar ID: VCV000013345) and different missense changes at the same codon (p.Gln510Glu, p.Gln510His, p.Gln510Leu, p.Gln510Pro / ClinVar ID: VCV000013344, VCV000040566, VCV000040567, VCV000811634, VCV000981537) have been previously reported as pathogenic/likely pathogenic with strong evidence. Therefore, this variant is classified as Pathogenic according to the recommendation of ACMG/AMP guideline.

Victorian Clinical Genetics Services, Murdoch Childrens Research Institute
Classification: Pathogenic for Noonan syndrome 1. Last evaluated: 2022-02-02. Review status: criteria provided, single submitter. Criteria: ACMG Guidelines, 2015. Collection method: clinical testing. Allele origin: germline. Inheritance: Autosomal dominant inheritance.
Comment: Based on the classification scheme VCGS_Germline_v1.3.4, this variant is classified as Pathogenic. Following criteria are met: 0103 - Both loss- and gain-of-function are known mechanisms of disease for this gene. Metachondromatosis (MIM#156250) and Noonan syndrome with multiple lentigines have been associated with loss of function variants, whereas Noonan syndrome 1 (MIM#163950) is caused by gain of function variants (PMIDs: 11992261, 24935154, 21533187). (I) 0107 - This gene is associated with autosomal dominant disease. (I) 0115 - Variants in this gene associated with Noonan syndrome are known to have variable expressivity (GeneReviews). (I) 0200 - Variant is predicted to result in a missense amino acid change from glutamine to arginine. (I) 0251 - This variant is heterozygous. (I) 0302 - Variant is present in gnomAD (v2) <0.001 for a dominant condition (1 heterozygote, 0 homozygotes). (SP) 0501 - Missense variant consistently predicted to be damaging by multiple in silico tools or highly conserved with a major amino acid change. (SP) 0600 - Variant is located in the annotated tyrosine-protein phosphatase domain (UniProt). (I) 0701 - Other missense variants comparable to the one identified in this case have very strong previous evidence for pathogenicity. Alternative change to histidine and proline at the position, have been classified as pathogenic by the ClinGen RASopathy Variant Curation Expert Panel and have multiple pathogenic entries in ClinVar. Additionally, de novo changes to glutamic acid and leucine have been reported in two cardiomyopathy probands (VCGS) and in a Noonan syndrome proband (ClinVar), respectively. (SP) 0801 - This variant has strong previous evidence of pathogenicity in unrelated individuals. This variant has been reported in individuals with Noonan syndrome, Noonan syndrome with multiple lentigines, and in an individual with Neurofibromatosis-Noonan syndrome who also harboured a variant in the NF1 gene (PMID: 26817465, 24775816, 15948193, ClinVar). This variant has also been identified in an individual with restrictive cardiomyopathy and features of rasopathy who also harboured a variant in FLNC gene (PMID: 30919686). (SP) 1208 - Inheritance information for this variant is not currently available in this individual. (I) Legend: (SP) - Supporting pathogenic, (I) - Information, (SB) - Supporting benign

Women's Health and Genetics/Laboratory Corporation of America, LabCorp
Classification: Likely pathogenic for Rasopathy. Last evaluated: 2019-09-30. Review status: criteria provided, single submitter. Criteria: LabCorp Variant Classification Summary - May 2015. Collection method: clinical testing. Allele origin: germline.
Comment: Variant summary: PTPN11 c.1529A>G (p.Gln510Arg) results in a conservative amino acid change located in the PTP type protein phosphatase domain (IPR000242) of the encoded protein sequence. Four of five in-silico tools predict a damaging effect of the variant on protein function. Other alterations of codon Q510 have been reported in patients with NS, LEOPARD syndrome, and ALL (Q510K, Q510E, Q510P-Aoki_PTPN11_HM_2008, PMID: 18470943) indicating Q510 is a mutational hotspot. The variant allele was found at a frequency of 4e-06 in 251892 control chromosomes. c.1529A>G has been reported in the literature in individuals affected with features of Neurofibromatosis/Noonan syndrome (Bertola_2005), LEOPARD syndrome (Carcavilla_2013), megalencephaly-capillary malformation syndrome (MCAP) (Docker_2015), suspected/diagnosed Noonan syndrome (Ezquieta_2012, Atik_2016), and one case report of Ewing sarcoma (Brohl_2017). The variant was reported as a de-novo occurrence in at-least two of these studies although the presenting phenotype was MCAP (with paternity confirmed) in one and NS (assumed paternity due to lack of traceable evidence) in the other (Docker_2015, Atik_2016). These data indicate that the variant is very likely to be associated with disease. To our knowledge, no experimental evidence demonstrating an impact on protein function has been reported. One clinical diagnostic laboratory has submitted clinical-significance assessments for this variant to ClinVar after 2014 without evidence for independent evaluation and classified the variant as pathogenic. Based on the evidence outlined above, until additional reports of its presence in individuals diagnosed with Noonan syndrome and/or experimental evidence demonstrating an impact on function are reported, the variant was classified as likely pathogenic.

ARUP Laboratories, Molecular Genetics and Genomics, ARUP Laboratories
Classification: Pathogenic. Last evaluated: 2019-09-25. Review status: criteria provided, single submitter. Criteria: ARUP Molecular Germline Variant Investigation Process. Collection method: clinical testing. Allele origin: germline.
Comment: The PTPN11 c.1529A>G; p.Gln510Arg variant (rs121918470), is reported in the literature in multiple individuals affected with Noonan syndrome or LEOPARD syndrome (Atik 2016, Bertola 2005, Carcavilla 2013). Additionally, in testing performed at ARUP Laboratories, this variant has been observed in at least one other individual with symptoms of a RASopathy. This variant is found on a single chromosome (1/251492 alleles) in the Genome Aggregation Database, indicating it is not a common polymorphism. The glutamine at codon 510 is highly conserved, and computational analyses (SIFT, PolyPhen-2) predict that this variant is deleterious. Additionally, other amino acid substitutions at this codon (Glu, His, and Pro) have been reported in individuals with Noonan syndrome or LEOPARD syndrome and are considered pathogenic (Chen 2019, Gezdirici 2017, Keren 2004, Wakabayashi 2011). Based on available information, the p.Gln510Arg variant is considered to be pathogenic. References: Atik T et al. Mutation Spectrum and Phenotypic Features in Noonan Syndrome with PTPN11 Mutations: Definition of Two Novel Mutations. Indian J Pediatr. 2016 Jun;83(6):517-21. Bertola DR et al. Neurofibromatosis-Noonan syndrome: molecular evidence of the concurrence of both disorders in a patient. Am J Med Genet A. 2005 Jul 30;136(3):242-5. Carcavilla A et al. LEOPARD syndrome: a variant of Noonan syndrome strongly associated with hypertrophic cardiomyopathy. Rev Esp Cardiol (Engl Ed). 2013 May;66(5):350-6. Chen H et al. Clinical and mutation profile of pediatric patients with RASopathy-associated hypertrophic cardiomyopathy: results from a Chinese cohort. Orphanet J Rare Dis. 2019 Feb 7;14(1):29. Gezdirici A et al. How necessary is to analyze PTPN11 gene in fetuses with first trimester cystic hygroma and normal karyotype? J Matern Fetal Neonatal Med. 2017 Apr;30(8):938-941. Keren B et al. PTPN11 mutations in patients with LEOPARD syndrome: a French multicentric experience. J Med Genet. 2004 Nov;41(11):e117. Wakabayashi Y et al. Implantable cardioverter defibrillator for progressive hypertrophic cardiomyopathy in a patient with LEOPARD syndrome and a novel PTPN11 mutation Gln510His. Am J Med Genet A. 2011 Oct;155A(10):2529-33.

Genetic Testing Center for Deafness, Department of Otolaryngology Head & Neck Surgery, Institute of Otolaryngology, Chinese PLA General Hospital
Classification: Pathogenic for LEOPARD syndrome 1. Review status: criteria provided, single submitter. Criteria: ClinGen HL ACMG Specifications v1. Collection method: case-control. Allele origin: de novo. Affected: yes. Observed: 1 variant allele.

Juno Genomics, Hangzhou Juno Genomics, Inc
Classification: Pathogenic for LEOPARD syndrome 1; Juvenile myelomonocytic leukemia; Metachondromatosis; Noonan syndrome 1. Review status: criteria provided, single submitter. Criteria: ACMG Guidelines, 2015. Collection method: clinical testing. Allele origin: germline. Affected: yes.
Comment: Missense variant in a gene that has a low rate of benign missense variation.;Multiple lines of computational evidence support a deleterious effect on the gene or gene product.;The prevalence of the variant in affected individuals is significantly increased compared to the prevalence in controls.;Assumed de novo, but without confirmation of paternity and maternity.;Novel missense change at an amino acid residue where a different missense change determined to be pathogenic has been seen before.